The following is an entry in ClinVar:

ClinVar aggregate classification (germline): Conflicting classifications of pathogenicity. Review status: criteria provided, conflicting classifications (1 of 4 stars). 14 submissions from 13 submitters: Uncertain significance (1); Benign (9); Likely benign (4). Last evaluated 2026-02-03.

Conditions:
Cardiovascular phenotype. Identifiers: MedGen CN230736.
Hypercholesterolemia, autosomal dominant, type B (FHCL2). Also called: APOLIPOPROTEIN B-100, FAMILIAL DEFECTIVE; APOLIPOPROTEIN B-100, FAMILIAL LIGAND-DEFECTIVE; HYPERCHOLESTEROLEMIA, FAMILIAL, DUE TO LIGAND-DEFECTIVE APOLIPOPROTEIN B; Familial hypercholesterolemia 2; Familial Hypercholesterolemia Type B; APOB-Related Familial Hypercholesterolemia, Autosomal Dominant. Identifiers: MedGen C1704417, MONDO:0007751, OMIM 144010.
Familial hypobetalipoproteinemia 1. Also called: APOB-Related Familial Hypobetalipoproteinemia; Hypobetalipoproteinemia, normotriglyceridemic; Acanthocytosis with hypobetalipoproteinemia. Identifiers: MedGen C4551990, MONDO:0014252, OMIM 615558.
Familial hypercholesterolemia. Also called: Familial hypercholesterolaemia; Familial hypercholesterolemias. Identifiers: MedGen C0020445, MONDO:0005439.
Hypercholesterolemia, familial, 1. Also called: LDL RECEPTOR DISORDER; Hyperlipoproteinemia Type IIa; HYPER-LOW-DENSITY-LIPOPROTEINEMIA; HYPERCHOLESTEROLEMIC XANTHOMATOSIS, FAMILIAL; Fredrickson type IIa hyperlipoproteinemia; Hyperlipoproteinemia type 2. Identifiers: Orphanet 391665, MedGen C0745103, MONDO:0007750, OMIM 143890.

Allele frequency attached by ClinVar (database versions not stated): gnomAD exomes 0.00228; ExAC 0.00713; 1000 Genomes Project 0.02177; gnomAD 0.02253; 1000 Genomes Project 30x 0.02405; TOPMed 0.02544; ESP Exome Variant Server 0.02591.
gnomAD v4.1: 6,912 of 1,613,864 alleles (0.43%); highest among the groups gnomAD compares: African/African-American, 8%; 218 homozygotes.

Submissions (14):

Labcorp Genetics (formerly Invitae), Labcorp
Classification: Benign for Familial hypobetalipoproteinemia 1; Hypercholesterolemia, autosomal dominant, type B. Last evaluated: 2026-02-03. Review status: criteria provided, single submitter. Criteria: Invitae Variant Classification Sherloc (09022015). Collection method: clinical testing. Allele origin: germline.

Molecular Diagnostic Laboratory for Inherited Cardiovascular Disease, Montreal Heart Institute
Classification: Likely benign. Last evaluated: 2025-04-09. Review status: criteria provided, single submitter. Criteria: ACMG Guidelines, 2015. Collection method: clinical testing. Allele origin: germline. Affected: no.

ARUP Laboratories, Molecular Genetics and Genomics, ARUP Laboratories
Classification: Benign. Last evaluated: 2023-08-21. Review status: criteria provided, single submitter. Criteria: ARUP Molecular Germline Variant Investigation Process 2024. Collection method: clinical testing. Allele origin: germline.

Mayo Clinic Laboratories, Mayo Clinic
Classification: Benign. Last evaluated: 2022-08-11. Review status: criteria provided, single submitter. Criteria: ACMG Guidelines, 2015. Collection method: clinical testing. Allele origin: germline. Observed: 4 variant alleles.
Comment: BA1, BP4

GENinCode PLC
Classification: Benign for Familial hypercholesterolemia. Last evaluated: 2022-07-21. Review status: criteria provided, single submitter. Criteria: ACMG Guidelines, 2015. Collection method: clinical testing. Allele origin: germline.

Quest Diagnostics Nichols Institute San Juan Capistrano
Classification: Benign. Last evaluated: 2022-05-13. Review status: criteria provided, single submitter. Criteria: Quest Diagnostics criteria. Collection method: clinical testing. Allele origin: unknown.

Illumina Laboratory Services, Illumina
Classification: Likely benign for Familial hypobetalipoproteinemia 1. Last evaluated: 2018-01-13. Review status: criteria provided, single submitter. Criteria: ICSL Variant Classification Criteria 13 December 2019. Collection method: clinical testing. Allele origin: germline.
Comment: This variant was observed in the ICSL laboratory as part of a predisposition screen in an ostensibly healthy population. It had not been previously curated by ICSL or reported in the Human Gene Mutation Database (HGMD: prior to June 1st, 2018), and was therefore a candidate for classification through an automated scoring system. Utilizing variant allele frequency, disease prevalence and penetrance estimates, and inheritance mode, an automated score was calculated to assess if this variant is too frequent to cause the disease. Based on the score and internal cut-off values, a variant classified as likely benign is not then subjected to further curation. The score for this variant resulted in a classification of likely benign for this disease.

Illumina Laboratory Services, Illumina
Classification: Benign for Hypercholesterolemia, autosomal dominant, type B. Last evaluated: 2018-01-13. Review status: criteria provided, single submitter. Criteria: ICSL Variant Classification Criteria 13 December 2019. Collection method: clinical testing. Allele origin: germline.
Comment: This variant was observed in the ICSL laboratory as part of a predisposition screen in an ostensibly healthy population. It had not been previously curated by ICSL or reported in the Human Gene Mutation Database (HGMD: prior to June 1st, 2018), and was therefore a candidate for classification through an automated scoring system. Utilizing variant allele frequency, disease prevalence and penetrance estimates, and inheritance mode, an automated score was calculated to assess if this variant is too frequent to cause the disease. Based on the score and internal cut-off values, a variant classified as benign is not then subjected to further curation. The score for this variant resulted in a classification of benign for this disease.

Robarts Research Institute, Western University
Classification: Likely benign for Hypercholesterolemia, familial, 1. Last evaluated: 2018-01-02. Review status: criteria provided, single submitter. Criteria: ACMG Guidelines, 2015. Collection method: clinical testing. Allele origin: germline. Inheritance: Autosomal dominant inheritance. Affected: yes.

Color Diagnostics, LLC DBA Color Health
Classification: Benign for Familial hypercholesterolemia. Last evaluated: 2017-06-26. Review status: criteria provided, single submitter. Criteria: ACMG Guidelines, 2015. Collection method: clinical testing. Allele origin: germline.

GeneDx
Classification: Benign. Last evaluated: 2017-05-04. Review status: criteria provided, single submitter. Criteria: GeneDx Variant Classification (06012015). Collection method: clinical testing. Allele origin: germline. Affected: yes.
Comment: This variant is considered likely benign or benign based on one or more of the following criteria: it is a conservative change, it occurs at a poorly conserved position in the protein, it is predicted to be benign by multiple in silico algorithms, and/or has population frequency not consistent with disease.

Ambry Genetics
Classification: Benign for Cardiovascular phenotype. Last evaluated: 2017-03-09. Review status: criteria provided, single submitter. Criteria: Ambry Variant Classification Scheme 2023. Collection method: clinical testing. Allele origin: germline.

Laboratory of Genetics and Molecular Cardiology, University of São Paulo
Classification: Uncertain significance for Familial hypercholesterolemia. Last evaluated: 2016-03-01. Review status: criteria provided, single submitter. Criteria: ACMG Guidelines, 2015. Collection method: research. Allele origin: germline. Study: HipercolBrasil.

Genomic Diagnostic Laboratory, Division of Genomic Diagnostics, Children's Hospital of Philadelphia
Classification: Likely benign for Familial hypercholesterolemia. Last evaluated: 2015-02-16. Review status: criteria provided, single submitter. Criteria: DGD Variant Analysis Guidelines. Collection method: clinical testing. Allele origin: unknown.

Literature cited by the submitters: PubMed 19602640 (cited by Quest Diagnostics Nichols Institute San Juan Capistrano).

NM_000384.3(APOB):c.2222C>A (p.Thr741Asn)

Gene: APOB (apolipoprotein B; minus strand). Cytogenetic location: 2p24.1.
Variant type: single nucleotide variant.
Coding change: c.2222C>A on transcript NM_000384.3 (MANE Select); coding-DNA position 2222, C replaced by A.
Protein change: p.Thr741Asn; replaces threonine 741 with asparagine.
Molecular consequence: missense variant.
Genome position (GRCh38, 1-based): chr2:21,026,810, G>T on the plus strand (C>A on the coding strand, the complement: APOB is on the minus strand). VCF-style: chr2-21026810-G-T. GRCh37 (hg19) VCF-style: chr2-21249682-G-T.
Other names: p.Thr741Asn; short protein forms T741N.
Identifiers: ClinVar variation 218442 (VCV000218442.32), dbSNP rs12714192, ClinGen allele CA055604.
Genomic context (GRCh38, chr2:21,026,810, plus strand): 5'-CAAAGCTTTCCTTAAGAAGATACTTCACAAATACACACCTGCTCATGTTTATCATCTTTG[G>T]TATAGCCAAAGTGGTCCACTAAGACCTTAGAGACACCATCAGGAACTTGACCATTAACCC-3'
Protein context (NP_000375.3, residues 731-751): SKVLVDHFGY[Thr741Asn]KDDKHEQDMV